The following is an entry in ClinVar:

ClinVar aggregate classification (germline): Pathogenic (1 of 4 stars; one submission).

Conditions:
Papillon-Lefèvre syndrome (PALS). Also called: KERATOSIS PALMOPLANTARIS WITH PERIODONTOPATHIA; Papillon-Lefevre Disease. Identifiers: Orphanet 678, MedGen C0030360, MONDO:0009490, OMIM 245000.
Periodontitis, aggressive. Identifiers: MedGen C0031106, MONDO:0980757.
Haim-Munk syndrome (HMS). Also called: COCHIN JEWISH DISORDER; KERATOSIS PALMOPLANTARIS WITH PERIODONTOPATHIA AND ONYCHOGRYPOSIS. Identifiers: Orphanet 2342, MedGen C1855627, MONDO:0009491, OMIM 245010.

Submission:

Labcorp Genetics (formerly Invitae), Labcorp
Classification: Pathogenic for Haim-Munk syndrome; Periodontitis, aggressive; Papillon-Lefèvre syndrome. Last evaluated: 2022-10-28. Review status: criteria provided, single submitter. Criteria: Invitae Variant Classification Sherloc (09022015). Collection method: clinical testing. Allele origin: germline.
Comment: For these reasons, this variant has been classified as Pathogenic. This variant has not been reported in the literature in individuals affected with CTSC-related conditions. This variant is a complex rearrangement that results in the deletion of exon 1, which includes the initiator codon, and exon 3. There is also some indication that exon 2 could be inverted, but the exact nature of this event is unknown. The 5' end of this event is unknown as it extends beyond the assayed region for this gene and therefore may encompass additional genes. The 3' boundary is likely confined to intron 3 of the CTSC gene. It is expected to result in an absent or disrupted protein product. Loss-of-function variants in CTSC are known to be pathogenic (PMID: 10662808, 11106356, 11886537).

Literature cited by the submitters: PubMed 10662808; PubMed 11106356; PubMed 11886537.

NC_000011.9:g.(?_88045475)_(88071056_?)del

Gene: CTSC (cathepsin C; minus strand). Cytogenetic location: 11q14.2.
Variant type: Deletion.
Identifiers: ClinVar variation 1457970 (VCV001457970.7).